The following is an entry in ClinVar:

ClinVar aggregate classification (germline): Uncertain significance (1 of 4 stars; one submission).

Allele frequency attached by ClinVar (database versions not stated): gnomAD exomes below 0.00001; TOPMed below 0.00001; ExAC 0.00001; ESP Exome Variant Server 0.00008.

Submission:

Labcorp Genetics (formerly Invitae), Labcorp
Classification: Uncertain significance. Last evaluated: 2023-08-10. Review status: criteria provided, single submitter. Criteria: Invitae Variant Classification Sherloc (09022015). Collection method: clinical testing. Allele origin: germline.
Comment: In summary, the available evidence is currently insufficient to determine the role of this variant in disease. Therefore, it has been classified as a Variant of Uncertain Significance. Algorithms developed to predict the effect of sequence changes on RNA splicing suggest that this variant may disrupt the consensus splice site. ClinVar contains an entry for this variant (Variation ID: 1467767). This variant has not been reported in the literature in individuals affected with DHX38-related conditions. This variant is present in population databases (rs371166208, gnomAD 0.007%). This sequence change affects a donor splice site in intron 16 of the DHX38 gene. It is expected to disrupt RNA splicing. Variants that disrupt the donor or acceptor splice site typically lead to a loss of protein function (PMID: 16199547), however the current clinical and genetic evidence is not sufficient to establish whether loss-of-function variants in DHX38 cause disease.

Literature cited by the submitters: PubMed 16199547.

NM_014003.4(DHX38):c.2262+1G>A

Gene: DHX38 (DEAH-box helicase 38; plus strand). Cytogenetic location: 16q22.2.
Variant type: single nucleotide variant.
Coding change: c.2262+1G>A on transcript NM_014003.4 (MANE Select); the canonical splice donor site of the intron after coding-DNA position 2262, G replaced by A.
Molecular consequence: splice donor variant.
Genome position (GRCh38, 1-based): chr16:72,105,138, G>A. VCF-style: chr16-72105138-G-A. GRCh37 (hg19) VCF-style: chr16-72139037-G-A.
Identifiers: ClinVar variation 1467767 (VCV001467767.8), dbSNP rs371166208, ClinGen allele CA8160578.